The following is an entry in ClinVar:

ClinVar aggregate classification (germline): Uncertain significance (1 of 4 stars; one submission).

Submission:

Ambry Genetics
Classification: Uncertain significance. Last evaluated: 2021-05-29. Review status: criteria provided, single submitter. Criteria: Ambry Variant Classification Scheme 2023. Collection method: clinical testing. Allele origin: germline.
Comment: The p.E491D variant (also known as c.1473G>C), located in coding exon 12 of the RECQL gene, results from a G to C substitution at nucleotide position 1473. The glutamic acid at codon 491 is replaced by aspartic acid, an amino acid with highly similar properties. This amino acid position is poorly conserved in available vertebrate species. In addition, this alteration is predicted to be tolerated by in silico analysis. Since supporting evidence is limited at this time, the clinical significance of this alteration remains unclear.

NM_002907.4(RECQL):c.1473G>C (p.Glu491Asp)

Gene: RECQL (RecQ like helicase; minus strand). Cytogenetic location: 12p12.1.
Variant type: single nucleotide variant.
Coding change: c.1473G>C on transcript NM_002907.4 (MANE Select); coding-DNA position 1473, G replaced by C.
Protein change: p.Glu491Asp; replaces glutamic acid 491 with aspartic acid.
Molecular consequence: missense variant.
Genome position (GRCh38, 1-based): chr12:21,471,622, C>G on the plus strand (G>C on the coding strand, the complement: RECQL is on the minus strand). VCF-style: chr12-21471622-C-G. GRCh37 (hg19) VCF-style: chr12-21624556-C-G.
Other names: c.1473G>C, p.Glu491Asp (NM_032941.3); short protein forms E491D.
Identifiers: ClinVar variation 1773416 (VCV001773416.2), dbSNP rs1565561932, ClinGen allele CA384116345.
Genomic context (GRCh38, chr12:21,471,622, plus strand): 5'-AGTGAGTTTTTCATTCAGTTCCTCTGCCTGCTTCAGGATCTTGATTAGATCTCTGCAGTA[C>G]TCTGTTATGTTCTTTCTTTCAAATGCTGTAATAAAACAAATATGGTAGCAGGTAATTAGG-3'
Protein context (NP_002898.2, residues 481-501): DSAFERKNIT[Glu491Asp]YCRDLIKILK